The following is an entry in ClinVar:

NM_015570.4(AUTS2):c.2702G>A (p.Arg901His)

Gene: AUTS2 (activator of transcription and developmental regulator AUTS2; plus strand). Cytogenetic location: 7q11.22.
Variant type: single nucleotide variant.
Coding change: c.2702G>A on transcript NM_015570.4 (MANE Select); coding-DNA position 2702, G replaced by A.
Protein change: p.Arg901His; replaces arginine 901 with histidine.
Molecular consequence: missense variant.
Genome position (GRCh38, 1-based): chr7:70,789,918, G>A. VCF-style: chr7-70789918-G-A. GRCh37 (hg19) VCF-style: chr7-70254904-G-A.
Other names: c.2630G>A, p.Arg877His (NM_001127231.3); c.2702G>A (NM_015570.3); short protein forms R877H, R901H.
Identifiers: ClinVar variation 1259716 (VCV001259716.10), dbSNP rs138775036, ClinGen allele CA4281154.

ClinVar aggregate classification (germline): Benign/Likely benign. Review status: criteria provided, multiple submitters, no conflicts (2 of 4 stars). 4 submissions from 4 submitters: Benign (1); Likely benign (2). 1 of the submissions does not count toward it. Last evaluated 2025-12-17.

Conditions:
AUTS2-related disorder. Also called: AUTS2-related condition.
Inborn genetic diseases. Identifiers: MedGen C0950123, MeSH D030342.

Allele frequency attached by ClinVar (database versions not stated): ExAC 0.00011; gnomAD exomes 0.00012; 1000 Genomes Project 30x 0.00016; 1000 Genomes Project 0.00020; gnomAD 0.00025 and 0.00028; TOPMed 0.00028; ESP Exome Variant Server 0.00038.
gnomAD v4.1: 90 of 1,614,020 alleles (0.0056%); highest among the groups gnomAD compares: African/African-American, 0.099%; no homozygotes.

Submissions (4):

Labcorp Genetics (formerly Invitae), Labcorp
Classification: Likely benign. Last evaluated: 2025-12-17. Review status: criteria provided, single submitter. Criteria: Invitae Variant Classification Sherloc (09022015). Collection method: clinical testing. Allele origin: germline.

Ambry Genetics
Classification: Likely benign for Inborn genetic diseases. Last evaluated: 2021-09-01. Review status: criteria provided, single submitter. Criteria: Ambry Variant Classification Scheme 2023. Collection method: clinical testing. Allele origin: germline.

GeneDx
Classification: Benign. Last evaluated: 2020-09-28. Review status: criteria provided, single submitter. Criteria: GeneDx Variant Classification Process June 2021. Collection method: clinical testing. Allele origin: germline. Affected: yes.

PreventionGenetics, part of Exact Sciences
Classification: Likely benign for AUTS2-related condition. Last evaluated: 2023-08-30. Review status: no assertion criteria provided. Collection method: clinical testing. Allele origin: germline. Not counted in ClinVar's aggregate classification.
Comment: This variant is classified as likely benign based on ACMG/AMP sequence variant interpretation guidelines (Richards et al. 2015 PMID: 25741868, with internal and published modifications).